The following is an entry in ClinVar:

NM_001164508.2(NEB):c.13157T>A (p.Leu4386Ter)

Gene: NEB (nebulin; minus strand). Cytogenetic location: 2q23.3.
Variant type: single nucleotide variant.
Coding change: c.13157T>A on transcript NM_001164508.2 (MANE Select); coding-DNA position 13157, T replaced by A.
Protein change: p.Leu4386Ter; replaces leucine 4386 with a stop codon.
Molecular consequence: nonsense. On other transcripts: intron variant (1).
Genome position (GRCh38, 1-based): chr2:151,603,675, A>T on the plus strand (T>A on the coding strand, the complement: NEB is on the minus strand). VCF-style: chr2-151603675-A-T. GRCh37 (hg19) VCF-style: chr2-152460189-A-T.
Other names: c.13157T>A, p.Leu4386Ter (NM_001164507.2, NM_001271208.2); c.11601+6134T>A (NM_004543.5); short protein forms L4386*.
Identifiers: ClinVar variation 1452970 (VCV001452970.8), dbSNP rs2153930856, ClinGen allele CA348772280.
Genomic context (GRCh38, chr2:151,603,675, plus strand): 5'-GTGTCAACAATGCTGGTGAATTTGAGGGCCTCAGGCTTTATACGATACAGCCTTTCATTC[A>T]AGAGATTCTGGGCATTCTTCACTCTCATCACTTCCACAGAACCCTCTGGCAGCCATCCAA-3'

ClinVar aggregate classification (germline): Pathogenic (1 of 4 stars; one submission).

Conditions:
Nemaline myopathy 2 (NEM2). Also called: Nemaline myopathy 2, autosomal recessive. Identifiers: MedGen C1850569, MONDO:0009725, OMIM 256030.

Submission:

Labcorp Genetics (formerly Invitae), Labcorp
Classification: Pathogenic for Nemaline myopathy 2. Last evaluated: 2020-10-21. Review status: criteria provided, single submitter. Criteria: Invitae Variant Classification Sherloc (09022015). Collection method: clinical testing. Allele origin: germline.
Comment: The frequency data for this variant in the population databases (ExAC) is considered unreliable due to the presence of homologous sequence, such as pseudogenes or paralogs, in the genome. This sequence change creates a premature translational stop signal (p.Leu4386*) in the NEB gene. It is expected to result in an absent or disrupted protein product. Loss-of-function variants in NEB are known to be pathogenic (PMID: 25205138). This variant occurs in a region of NEB (Exons 82-105) consisting of three highly homologous 8-exon repeat units (exons 82-89, exons 90-97, exons 98-105). Sequence variants in this region can be detected, but this assay cannot determine which of the three repeat units is affected, and zygosity is often ambiguous. All variants in this region are reported relative to the exon 82-89 repeat. For these reasons, this variant has been classified as Pathogenic. This variant has not been reported in the literature in individuals with NEB-related conditions.

Literature cited by the submitters: PubMed 25205138.